The following is an entry in ClinVar:

NM_024675.4(PALB2):c.1472C>T (p.Ala491Val)

Gene: PALB2 (partner and localizer of BRCA2; minus strand). Cytogenetic location: 16p12.2.
Variant type: single nucleotide variant.
Coding change: c.1472C>T on transcript NM_024675.4 (MANE Select); coding-DNA position 1472, C replaced by T.
Protein change: p.Ala491Val; replaces alanine 491 with valine.
Molecular consequence: missense variant.
Genome position (GRCh38, 1-based): chr16:23,635,074, G>A on the plus strand (C>T on the coding strand, the complement: PALB2 is on the minus strand). VCF-style: chr16-23635074-G-A. GRCh37 (hg19) VCF-style: chr16-23646395-G-A.
Other names: short protein forms A491V.
Identifiers: ClinVar variation 819315 (VCV000819315.9), dbSNP rs1473779466, ClinGen allele CA395131155.

ClinVar aggregate classification (germline): Uncertain significance. Review status: criteria provided, multiple submitters, no conflicts (2 of 4 stars). 2 submissions from 2 submitters: Uncertain significance (2). Last evaluated 2022-06-18.

Conditions:
Hereditary cancer-predisposing syndrome. Also called: Tumor predisposition; Hereditary neoplastic syndrome; Neoplastic Syndromes, Hereditary; Hereditary Cancer Syndrome. Identifiers: Orphanet 140162, MedGen C0027672, MeSH D009386, MONDO:0015356.
Familial cancer of breast. Also called: hereditary breast carcinoma; Hereditary breast cancer; BREAST CANCER, FAMILIAL. Identifiers: Orphanet 227535, MedGen C0346153, MONDO:0016419, OMIM 114480. Disease mechanism: loss of function.

Allele frequency attached by ClinVar (database versions not stated): TOPMed below 0.00001.

Submissions (2):

Labcorp Genetics (formerly Invitae), Labcorp
Classification: Uncertain significance for Familial cancer of breast. Last evaluated: 2022-06-18. Review status: criteria provided, single submitter. Criteria: Invitae Variant Classification Sherloc (09022015). Collection method: clinical testing. Allele origin: germline.
Comment: In summary, the available evidence is currently insufficient to determine the role of this variant in disease. Therefore, it has been classified as a Variant of Uncertain Significance. Algorithms developed to predict the effect of missense changes on protein structure and function (SIFT, PolyPhen-2, Align-GVGD) all suggest that this variant is likely to be tolerated. ClinVar contains an entry for this variant (Variation ID: 819315). This variant has not been reported in the literature in individuals affected with PALB2-related conditions. This variant is not present in population databases (gnomAD no frequency). This sequence change replaces alanine, which is neutral and non-polar, with valine, which is neutral and non-polar, at codon 491 of the PALB2 protein (p.Ala491Val).

Ambry Genetics
Classification: Uncertain significance for Hereditary cancer-predisposing syndrome. Last evaluated: 2019-07-29. Review status: criteria provided, single submitter. Criteria: Ambry Variant Classification Scheme 2023. Collection method: clinical testing. Allele origin: germline.
Comment: The p.A491V variant (also known as c.1472C>T), located in coding exon 4 of the PALB2 gene, results from a C to T substitution at nucleotide position 1472. The alanine at codon 491 is replaced by valine, an amino acid with similar properties. This amino acid position is poorly conserved in available vertebrate species. In addition, this alteration is predicted to be tolerated by in silico analysis. Since supporting evidence is limited at this time, the clinical significance of this alteration remains unclear.